The following is an entry in ClinVar:

NM_006031.6(PCNT):c.6739C>T (p.His2247Tyr)

Gene: PCNT (pericentrin; plus strand). Cytogenetic location: 21q22.3.
Variant type: single nucleotide variant.
Coding change: c.6739C>T on transcript NM_006031.6 (MANE Select); coding-DNA position 6739, C replaced by T.
Protein change: p.His2247Tyr; replaces histidine 2247 with tyrosine.
Molecular consequence: missense variant.
Genome position (GRCh38, 1-based): chr21:46,416,657, C>T. VCF-style: chr21-46416657-C-T. GRCh37 (hg19) VCF-style: chr21-47836571-C-T.
Other names: p.H2247Y:CAC>TAC; c.6385C>T, p.His2129Tyr (NM_001315529.2); short protein forms H2247Y, H2129Y.
Identifiers: ClinVar variation 138627 (VCV000138627.27), dbSNP rs61735812, ClinGen allele CA248760.

ClinVar aggregate classification (germline): Benign. Review status: criteria provided, multiple submitters, no conflicts (2 of 4 stars). 7 submissions from 7 submitters: Benign (7). Last evaluated 2026-02-04.

Conditions:
Microcephalic osteodysplastic primordial dwarfism type II (MOPD2). Also called: Microcephalic osteodysplastic primordial dwarfism with tooth abnormalities; OSTEODYSPLASTIC PRIMORDIAL DWARFISM, TYPE II; MOPD II. Identifiers: Orphanet 2637, MedGen C0432246, MONDO:0008872, OMIM 210720.

Allele frequency attached by ClinVar (database versions not stated): gnomAD exomes 0.01000 and 0.01181; ExAC 0.01227; 1000 Genomes Project 30x 0.01312; 1000 Genomes Project 0.01398; ESP Exome Variant Server 0.01419; gnomAD 0.01511 and 0.01575; TOPMed 0.01521.
gnomAD v4.1: 16,497 of 1,563,558 alleles (1.1%); highest among the groups gnomAD compares: African/African-American, 2.7%; 127 homozygotes.

Submissions (7):

Labcorp Genetics (formerly Invitae), Labcorp
Classification: Benign. Last evaluated: 2026-02-04. Review status: criteria provided, single submitter. Criteria: Invitae Variant Classification Sherloc (09022015). Collection method: clinical testing. Allele origin: germline.

ARUP Laboratories, Molecular Genetics and Genomics, ARUP Laboratories
Classification: Benign for Microcephalic osteodysplastic primordial dwarfism type II. Last evaluated: 2024-10-29. Review status: criteria provided, single submitter. Criteria: ARUP Molecular Germline Variant Investigation Process 2024. Collection method: clinical testing. Allele origin: germline.

Illumina Laboratory Services, Illumina
Classification: Benign for Microcephalic osteodysplastic primordial dwarfism type II. Last evaluated: 2018-01-13. Review status: criteria provided, single submitter. Criteria: ICSL Variant Classification Criteria 13 December 2019. Collection method: clinical testing. Allele origin: germline.
Comment: This variant was observed in the ICSL laboratory as part of a predisposition screen in an ostensibly healthy population. It had not been previously curated by ICSL or reported in the Human Gene Mutation Database (HGMD: prior to June 1st, 2018), and was therefore a candidate for classification through an automated scoring system. Utilizing variant allele frequency, disease prevalence and penetrance estimates, and inheritance mode, an automated score was calculated to assess if this variant is too frequent to cause the disease. Based on the score and internal cut-off values, a variant classified as benign is not then subjected to further curation. The score for this variant resulted in a classification of benign for this disease.

Genomic Diagnostic Laboratory, Division of Genomic Diagnostics, Children's Hospital of Philadelphia
Classification: Benign. Last evaluated: 2015-03-06. Review status: criteria provided, single submitter. Criteria: DGD Variant Analysis Guidelines. Collection method: clinical testing. Allele origin: unknown.

GeneDx
Classification: Benign. Last evaluated: 2014-05-09. Review status: criteria provided, single submitter. Criteria: GeneDx Variant Classification (06012015). Collection method: clinical testing. Allele origin: germline. Affected: yes.
Comment: This variant is considered likely benign or benign based on one or more of the following criteria: it is a conservative change, it occurs at a poorly conserved position in the protein, it is predicted to be benign by multiple in silico algorithms, and/or has population frequency not consistent with disease.

Genetic Services Laboratory, University of Chicago
Classification: Benign. Last evaluated: 2013-02-08. Review status: criteria provided, single submitter. Criteria: ACMG Guidelines, 2007. Collection method: clinical testing. Allele origin: germline. Inheritance: Autosomal recessive inheritance.

Breakthrough Genomics
Classification: Benign. Review status: criteria provided, single submitter. Criteria: ACMG Guidelines, 2015. Collection method: not provided. Allele origin: germline. Inheritance: Autosomal recessive inheritance. Affected: yes.